The following is an entry in ClinVar:

NM_003119.4(SPG7):c.1324+3855T>C

Gene: SPG7 (SPG7 matrix AAA peptidase subunit, paraplegin; plus strand). Cytogenetic location: 16q24.3.
Variant type: single nucleotide variant.
Coding change: c.1324+3855T>C on transcript NM_003119.4 (MANE Select); 3855 bases into the intron after coding-DNA position 1324, T replaced by C.
Molecular consequence: intron variant.
Genome position (GRCh38, 1-based): chr16:89,536,491, T>C. VCF-style: chr16-89536491-T-C. GRCh37 (hg19) VCF-style: chr16-89602899-T-C.
Other names: c.1324+3855T>C (NM_001363850.1); c.1325-274T>C (NM_199367.3).
Identifiers: ClinVar variation 671454 (VCV000671454.1), dbSNP rs1352978556, ClinGen allele CA624244787.

ClinVar aggregate classification (germline): Likely benign (1 of 4 stars; one submission).

Allele frequency attached by ClinVar (database versions not stated): gnomAD 0.02382 and 0.02481.

Submission:

GeneDx
Classification: Likely benign. Last evaluated: 2018-06-14. Review status: criteria provided, single submitter. Criteria: GeneDx Variant Classification (06012015). Collection method: clinical testing. Allele origin: germline. Affected: yes.
Comment: This variant is considered likely benign or benign based on one or more of the following criteria: it is a conservative change, it occurs at a poorly conserved position in the protein, it is predicted to be benign by multiple in silico algorithms, and/or has population frequency not consistent with disease.